The following is an entry in ClinVar:

NM_001103.4(ACTN2):c.1249_1255+1del

Gene: ACTN2 (actinin alpha 2; plus strand). Cytogenetic location: 1q43.
Variant type: Deletion.
Coding change: c.1249_1255+1del on transcript NM_001103.4 (MANE Select); coding-DNA position 1249 through the canonical splice donor site of the intron after coding-DNA position 1255, 8 bases deleted (GCTTATGG; older notation c.1249_1255+1delGCTTATGG).
Molecular consequence: splice donor variant.
Genome position (GRCh38, 1-based): chr1:236,743,037-236,743,044, GCTTATGG deleted; deleting any 8 consecutive bases within chr1:236,743,034-236,743,044 gives the same sequence; the c. name uses the placement nearest the transcript's 3' end. VCF-style (leftmost placement, unchanged base first): chr1-236743033-TTGGGCTTA-T. GRCh37 (hg19) VCF-style: chr1-236906333-TTGGGCTTA-T.
Other names: c.1249_1255+1del (NM_001278343.2).
Identifiers: ClinVar variation 4526504 (VCV004526504.1).
Genomic context (GRCh38, chr1:236,743,033, plus strand): 5'-ACTGGAGCGCTTGGAACACCTGGCTGAGAAGTTCAGGCAGAAGGCCTCAACGCACGAGAC[TTGGGCTTA>T]TGGTAAGTAGACAGGAGTCAGATTGGATTTTTGAAAAACCAGAGTTGAGCCATGCCCAGA-3'

ClinVar aggregate classification (germline): Uncertain significance (1 of 4 stars; one submission).

Conditions:
Dilated cardiomyopathy 1AA (CMD1AA). Also called: Cardiomyopathy, dilated, 1AA, with or without LVNC; CARDIOMYOPATHY, DILATED, 1AA, WITH OR WITHOUT LEFT VENTRICULAR NONCOMPACTION; CARDIOMYOPATHY, FAMILIAL HYPERTROPHIC, 23, WITH OR WITHOUT LEFT VENTRICULAR NONCOMPACTION. Identifiers: Orphanet 154, MedGen C2677338, MONDO:0012808, OMIM 612158.

Submission:

MVZ Medizinische Genetik Mainz
Classification: Uncertain significance for Dilated cardiomyopathy 1AA. Last evaluated: 2025-09-25. Review status: criteria provided, single submitter. Criteria: UK Practice Guidelines For Variant Classification V4 01 2020. Collection method: clinical testing. Allele origin: germline. Inheritance: Autosomal dominant inheritance. Affected: yes. Observed: 1 variant allele.
Comment: ACMG Criteria: PVS1_STR,PM2_SUP